The following is an entry in ClinVar:

NM_006031.6(PCNT):c.4963G>C (p.Val1655Leu)

Gene: PCNT (pericentrin; plus strand). Cytogenetic location: 21q22.3.
Variant type: single nucleotide variant.
Coding change: c.4963G>C on transcript NM_006031.6 (MANE Select); coding-DNA position 4963, G replaced by C.
Protein change: p.Val1655Leu; replaces valine 1655 with leucine.
Molecular consequence: missense variant.
Genome position (GRCh38, 1-based): chr21:46,402,331, G>C. VCF-style: chr21-46402331-G-C. GRCh37 (hg19) VCF-style: chr21-47822245-G-C.
Other names: c.4609G>C, p.Val1537Leu (NM_001315529.2); short protein forms V1537L, V1655L.
Identifiers: ClinVar variation 5002355 (VCV005002355.1).

ClinVar aggregate classification (germline): Uncertain significance (1 of 4 stars; one submission).

Conditions:
PCNT-related disorder. Also called: PCNT-related condition.

Submission:

PreventionGenetics, part of Exact Sciences
Classification: Uncertain significance for PCNT-related condition. Last evaluated: 2026-02-25. Review status: criteria provided, single submitter. Criteria: ACMG Guidelines, 2015. Collection method: clinical testing. Allele origin: germline.
Comment: The PCNT c.4963G>C variant is predicted to result in the amino acid substitution p.Val1655Leu. To our knowledge, this variant has not been reported in the literature or in a large population database (gnomAD), indicating this variant is rare. At this time, the clinical significance of this variant is uncertain due to the absence of conclusive functional and genetic evidence.